The following is an entry in ClinVar:

NM_016592.5(GNAS):c.23A>G (p.Gln8Arg)

Genes: GNAS (GNAS complex locus; plus strand), GNAS-AS1 (GNAS antisense RNA 1; minus strand). Cytogenetic location: 20q13.32.
Variant type: single nucleotide variant.
Coding change: c.23A>G on transcript NM_016592.5 (MANE Plus Clinical); coding-DNA position 23, A replaced by G.
Protein change: p.Gln8Arg; replaces glutamine 8 with arginine.
Molecular consequence: missense variant. On other transcripts: 5 prime UTR variant (1).
Genome position (GRCh38, 1-based): chr20:58,840,129, A>G. VCF-style: chr20-58840129-A-G. GRCh37 (hg19) VCF-style: chr20-57415184-A-G.
Other names: c.-715A>G (NM_001410912.1); short protein forms Q8R.
Identifiers: ClinVar variation 4998334 (VCV004998334.1).
Genomic context (GRCh38, chr20:58,840,129, plus strand): 5'-CAGAGGGCAGGCCGGCTTCTCGGTGTGTGCCTAAGAGGATGGATCGGAGGTCCCGGGCTC[A>G]GCAGTGGCGCCGAGCTCGCCATAATTACAACGACCTGTGCCCGCCCATAGGCCGCCGGGC-3'
Protein context (NP_057676.1, residues 1-18): MDRRSRA[Gln8Arg]QWRRARHNYN

ClinVar aggregate classification (germline): Uncertain significance (1 of 4 stars; one submission).

Conditions:
GNAS-related disorder. Identifiers: MedGen CN380105.

gnomAD v4.1: 1 of 1,611,466 alleles (0.000062%); highest among the groups gnomAD compares: Non-Finnish European, 0.000085%; no homozygotes.

Submission:

PreventionGenetics, part of Exact Sciences
Classification: Uncertain significance for GNAS-related condition. Last evaluated: 2024-12-28. Review status: criteria provided, single submitter. Criteria: ACMG Guidelines, 2015. Collection method: clinical testing. Allele origin: germline.
Comment: The GNAS c.23A>G variant is predicted to result in the amino acid substitution p.Gln8Arg. To our knowledge, this variant has not been reported in the literature or in a large population database (gnomAD), indicating this variant is rare. At this time, the clinical significance of this variant is uncertain due to the absence of conclusive functional and genetic evidence.